The following is an entry in ClinVar:

NM_032043.3(BRIP1):c.2448del (p.Trp816fs)

Gene: BRIP1 (BRCA1 interacting DNA helicase 1; minus strand). Cytogenetic location: 17q23.2.
Variant type: Deletion.
Coding change: c.2448del on transcript NM_032043.3 (MANE Select); coding-DNA position 2448, one base deleted (G; older notation c.2448delG).
Protein change: p.Trp816fs; shifts the reading frame from tryptophan 816.
Molecular consequence: frameshift variant.
Genome position (GRCh38, 1-based): chr17:61,715,995, C deleted on the plus strand (G on the coding strand, the reverse complement: BRIP1 is on the minus strand); the first of 2 consecutive C bases (chr17:61,715,995-61,715,996); deleting either gives the same sequence. VCF-style (leftmost placement, unchanged base first): chr17-61715994-AC-A. GRCh37 (hg19) VCF-style: chr17-59793355-AC-A.
Other names: short protein forms W816fs.
Identifiers: ClinVar variation 2584311 (VCV002584311.4), dbSNP rs2544696743, ClinGen allele CA2582342201.

ClinVar aggregate classification (germline): Pathogenic. Review status: criteria provided, multiple submitters, no conflicts (2 of 4 stars). 2 submissions from 2 submitters: Pathogenic (2). Last evaluated 2025-02-03.

Conditions:
Fanconi anemia complementation group J. Also called: BRIP1-Related Fanconi Anemia. Identifiers: Orphanet 84, MedGen C1836860, MONDO:0012187, OMIM 609054.
Familial cancer of breast. Also called: Hereditary breast cancer; hereditary breast carcinoma; BREAST CANCER, FAMILIAL. Identifiers: Orphanet 227535, MedGen C0346153, MONDO:0016419, OMIM 114480. Disease mechanism: loss of function.

Submissions (2):

Labcorp Genetics (formerly Invitae), Labcorp
Classification: Pathogenic for Familial cancer of breast; Fanconi anemia complementation group J. Last evaluated: 2025-02-03. Review status: criteria provided, single submitter. Criteria: Invitae Variant Classification Sherloc (09022015). Collection method: clinical testing. Allele origin: germline.
Comment: This sequence change creates a premature translational stop signal (p.Trp816Cysfs*10) in the BRIP1 gene. It is expected to result in an absent or disrupted protein product. Loss-of-function variants in BRIP1 are known to be pathogenic (PMID: 16116423, 17033622, 21964575). This variant is not present in population databases (gnomAD no frequency). This variant has not been reported in the literature in individuals affected with BRIP1-related conditions. ClinVar contains an entry for this variant (Variation ID: 2584311). For these reasons, this variant has been classified as Pathogenic.

Myriad Genetics, Inc.
Classification: Pathogenic for Familial cancer of breast. Last evaluated: 2023-06-06. Review status: criteria provided, single submitter. Criteria: Myriad Autosomal Dominant, Autosomal Recessive and X-Linked Classification Criteria (2023). Collection method: clinical testing. Allele origin: unknown.
Comment: This variant is considered pathogenic. This variant creates a frameshift predicted to result in premature protein truncation.

Literature cited by the submitters: PubMed 16116423 (cited by Labcorp Genetics (formerly Invitae), Labcorp); PubMed 17033622 (cited by Labcorp Genetics (formerly Invitae), Labcorp); PubMed 21964575 (cited by Labcorp Genetics (formerly Invitae), Labcorp).